The following is an entry in ClinVar:

ClinVar aggregate classification (germline): Likely benign (0 of 4 stars; one submission).

Conditions:
GPC5-related disorder. Also called: GPC5-related condition.

Allele frequency attached by ClinVar (database versions not stated): gnomAD exomes 0.00006; ESP Exome Variant Server 0.00015; ExAC 0.00021; gnomAD 0.00065; TOPMed 0.00072; 1000 Genomes Project 0.00140; 1000 Genomes Project 30x 0.00156.
gnomAD v4.1: 188 of 1,614,130 alleles (0.012%); highest among the groups gnomAD compares: African/African-American, 0.22%; 1 homozygote.

Submission:

PreventionGenetics, part of Exact Sciences
Classification: Likely benign for GPC5-related condition. Last evaluated: 2023-03-30. Review status: no assertion criteria provided. Collection method: clinical testing. Allele origin: germline.
Comment: This variant is classified as likely benign based on ACMG/AMP sequence variant interpretation guidelines (Richards et al. 2015 PMID: 25741868, with internal and published modifications).

NM_004466.6(GPC5):c.730T>G (p.Phe244Val)

Gene: GPC5 (glypican 5; plus strand). Cytogenetic location: 13q31.3.
Variant type: single nucleotide variant.
Coding change: c.730T>G on transcript NM_004466.6 (MANE Select); coding-DNA position 730, T replaced by G.
Protein change: p.Phe244Val; replaces phenylalanine 244 with valine.
Molecular consequence: missense variant.
Genome position (GRCh38, 1-based): chr13:91,693,591, T>G. VCF-style: chr13-91693591-T-G. GRCh37 (hg19) VCF-style: chr13-92345845-T-G.
Other names: short protein forms F244V.
Identifiers: ClinVar variation 3041123 (VCV003041123.2), dbSNP rs148285243, ClinGen allele CA7016387.